The following is an entry in ClinVar:

ClinVar aggregate classification (germline): Conflicting classifications of pathogenicity. Review status: criteria provided, conflicting classifications (1 of 4 stars). 6 submissions from 4 submitters: Uncertain significance (3); Likely benign (3). Last evaluated 2025-12-11.

Conditions:
NPHP3-related disorder. Also called: NPHP3-related condition; NPHP3-related disorders. Identifiers: MedGen CN379163.
Nephronophthisis. Also called: Juvenile Nephronophthisis. Identifiers: Orphanet 655, MedGen C0687120, MONDO:0019005, HP:0000090.
Nephronophthisis 3 (NPHP3). Also called: Adolescent nephronophthisis. Identifiers: Orphanet 655, MedGen C1858392, MONDO:0011456, OMIM 604387.
NPHP3-related Meckel-like syndrome. Also called: GOLDSTON SYNDROME; Meckel syndrome type 7. Identifiers: Orphanet 3032, MedGen C2673885, MONDO:0009966, OMIM 267010.
Renal-hepatic-pancreatic dysplasia 1 (RHPD1). Identifiers: MedGen C3715199, MONDO:0008833, OMIM 208540.

Allele frequency attached by ClinVar (database versions not stated): ExAC 0.00001; gnomAD exomes 0.00001; TOPMed 0.00002; gnomAD 0.00003; ESP Exome Variant Server 0.00008.
gnomAD v4.1: 8 of 1,614,022 alleles (0.0005%); highest among the groups gnomAD compares: African/African-American, 0.0027%; no homozygotes.

Submissions (6):

Labcorp Genetics (formerly Invitae), Labcorp
Classification: Likely benign for Nephronophthisis. Last evaluated: 2025-12-11. Review status: criteria provided, single submitter. Criteria: Invitae Variant Classification Sherloc (09022015). Collection method: clinical testing. Allele origin: germline.

CeGaT Center for Human Genetics Tuebingen
Classification: Likely benign. Last evaluated: 2025-07-01. Review status: criteria provided, single submitter. Criteria: CeGaT Center For Human Genetics Tuebingen Variant Classification Criteria Version 2. Collection method: clinical testing. Allele origin: germline. Affected: yes. Observed: 1 variant allele.
Comment: NPHP3: BP4, BP7

PreventionGenetics, part of Exact Sciences
Classification: Likely benign for NPHP3-related condition. Last evaluated: 2025-03-25. Review status: criteria provided, single submitter. Criteria: ACMG Guidelines, 2015. Collection method: clinical testing. Allele origin: germline.
Comment: This variant is classified as likely benign based on ACMG/AMP sequence variant interpretation guidelines (Richards et al. 2015 PMID: 25741868, with internal and published modifications).

Illumina Laboratory Services, Illumina
Classification: Uncertain significance for Renal-hepatic-pancreatic dysplasia 1. Last evaluated: 2018-01-12. Review status: criteria provided, single submitter. Criteria: ICSL Variant Classification Criteria 13 December 2019. Collection method: clinical testing. Allele origin: germline.

Illumina Laboratory Services, Illumina
Classification: Uncertain significance for NPHP3-related Meckel-like syndrome. Last evaluated: 2018-01-12. Review status: criteria provided, single submitter. Criteria: ICSL Variant Classification Criteria 13 December 2019. Collection method: clinical testing. Allele origin: germline.

Illumina Laboratory Services, Illumina
Classification: Uncertain significance for Nephronophthisis 3. Last evaluated: 2018-01-12. Review status: criteria provided, single submitter. Criteria: ICSL Variant Classification Criteria 13 December 2019. Collection method: clinical testing. Allele origin: germline.

NM_153240.5(NPHP3):c.3009T>C (p.Asn1003=)

Genes: NPHP3 (nephrocystin 3; minus strand), NPHP3-ACAD11 (NPHP3-ACAD11 readthrough (NMD candidate); minus strand). Cytogenetic location: 3q22.1.
Variant type: single nucleotide variant.
Coding change: c.3009T>C on transcript NM_153240.5 (MANE Select); coding-DNA position 3009, T replaced by C.
Protein change: p.Asn1003=; no amino-acid change (asparagine 1003 retained).
Molecular consequence: synonymous variant. On other transcripts: non-coding transcript variant (1).
Genome position (GRCh38, 1-based): chr3:132,688,766, A>G on the plus strand (T>C on the coding strand, the complement: NPHP3 is on the minus strand). VCF-style: chr3-132688766-A-G. GRCh37 (hg19) VCF-style: chr3-132407610-A-G.
Identifiers: ClinVar variation 343379 (VCV000343379.20), dbSNP rs372990521, ClinGen allele CA2621863.